The following is an entry in ClinVar:

ClinVar aggregate classification (germline): Benign/Likely benign. Review status: criteria provided, multiple submitters, no conflicts (2 of 4 stars). 3 submissions from 3 submitters: Benign (1); Likely benign (2). Last evaluated 2026-01-24.

Conditions:
Birt-Hogg-Dube syndrome. Also called: Birt Hogg Dubé syndrome. Identifiers: Orphanet 122, MedGen C0346010, MONDO:0800444.
Birt-Hogg-Dube syndrome 1 (BHD1). Also called: FIBROFOLLICULOMAS WITH TRICHODISCOMAS AND ACROCHORDONS. Identifiers: Orphanet 122, MedGen CN375946, MONDO:0800445, OMIM 135150.
Hereditary cancer-predisposing syndrome. Also called: Neoplastic Syndromes, Hereditary; Hereditary neoplastic syndrome; Tumor predisposition; Hereditary Cancer Syndrome. Identifiers: Orphanet 140162, MedGen C0027672, MeSH D009386, MONDO:0015356.

gnomAD v4.1: 1 of 1,614,164 alleles (0.000062%); highest among the groups gnomAD compares: Middle Eastern, 0.016%; no homozygotes.

Submissions (3):

Labcorp Genetics (formerly Invitae), Labcorp
Classification: Likely benign for Birt-Hogg-Dube syndrome. Last evaluated: 2026-01-24. Review status: criteria provided, single submitter. Criteria: Invitae Variant Classification Sherloc (09022015). Collection method: clinical testing. Allele origin: germline.

Myriad Genetics, Inc.
Classification: Benign for Birt-Hogg-Dube syndrome 1. Last evaluated: 2024-10-22. Review status: criteria provided, single submitter. Criteria: Myriad Autosomal Dominant, Autosomal Recessive and X-Linked Classification Criteria (2023). Collection method: clinical testing. Allele origin: unknown.
Comment: This variant is considered benign. This variant is a silent/synonymous amino acid change and it is not expected to impact splicing.

Ambry Genetics
Classification: Likely benign for Hereditary cancer-predisposing syndrome. Last evaluated: 2024-04-09. Review status: criteria provided, single submitter. Criteria: Ambry Variant Classification Scheme 2023. Collection method: clinical testing. Allele origin: germline.

NM_144997.7(FLCN):c.180G>T (p.Ala60=)

Gene: FLCN (folliculin; minus strand). Cytogenetic location: 17p11.2.
Variant type: single nucleotide variant.
Coding change: c.180G>T on transcript NM_144997.7 (MANE Select); coding-DNA position 180, G replaced by T.
Protein change: p.Ala60=; no amino-acid change (alanine 60 retained).
Molecular consequence: synonymous variant.
Genome position (GRCh38, 1-based): chr17:17,227,958, C>A on the plus strand (G>T on the coding strand, the complement: FLCN is on the minus strand). VCF-style: chr17-17227958-C-A. GRCh37 (hg19) VCF-style: chr17-17131272-C-A.
Other names: c.180G>T, p.Ala60= (NM_001353229.2, NM_001353230.2, NM_001353231.2 and 1 more transcripts).
Identifiers: ClinVar variation 1934138 (VCV001934138.7), dbSNP rs1203041436, ClinGen allele CA498421529.